The following is an entry in ClinVar:

ClinVar aggregate classification (germline): Uncertain significance (0 of 4 stars; one submission).

Conditions:
EP300-related disorder. Also called: EP300-related disorders; EP300-related condition.

Submission:

PreventionGenetics, part of Exact Sciences
Classification: Uncertain significance for EP300-related condition. Last evaluated: 2024-02-13. Review status: no assertion criteria provided. Collection method: clinical testing. Allele origin: germline.
Comment: The EP300 c.6028A>T variant is predicted to result in the amino acid substitution p.Met2010Leu. To our knowledge, this variant has not been reported in the literature or in a large population database, indicating this variant is rare. At this time, the clinical significance of this variant is uncertain due to the absence of conclusive functional and genetic evidence.

NM_001429.4(EP300):c.6028A>T (p.Met2010Leu)

Gene: EP300 (E1A binding protein p300; plus strand). Cytogenetic location: 22q13.2.
Variant type: single nucleotide variant.
Coding change: c.6028A>T on transcript NM_001429.4 (MANE Select); coding-DNA position 6028, A replaced by T.
Protein change: p.Met2010Leu; replaces methionine 2010 with leucine.
Molecular consequence: missense variant.
Genome position (GRCh38, 1-based): chr22:41,177,739, A>T. VCF-style: chr22-41177739-A-T. GRCh37 (hg19) VCF-style: chr22-41573743-A-T.
Other names: c.5950A>T, p.Met1984Leu (NM_001362843.2); short protein forms M1984L, M2010L.
Identifiers: ClinVar variation 3061288 (VCV003061288.2), dbSNP rs2517833887, ClinGen allele CA411680094.